The following is an entry in ClinVar:

NM_005431.2(XRCC2):c.492A>G (p.Glu164=)

Gene: XRCC2 (X-ray repair cross complementing 2; minus strand). Cytogenetic location: 7q36.1.
Variant type: single nucleotide variant.
Coding change: c.492A>G on transcript NM_005431.2 (MANE Select); coding-DNA position 492, A replaced by G.
Protein change: p.Glu164=; no amino-acid change (glutamic acid 164 retained).
Molecular consequence: synonymous variant.
Genome position (GRCh38, 1-based): chr7:152,648,993, T>C on the plus strand (A>G on the coding strand, the complement: XRCC2 is on the minus strand). VCF-style: chr7-152648993-T-C. GRCh37 (hg19) VCF-style: chr7-152346078-T-C.
Identifiers: ClinVar variation 512861 (VCV000512861.3), dbSNP rs1167001769, ClinGen allele CA458895339.

ClinVar aggregate classification (germline): Likely benign. Review status: criteria provided, multiple submitters, no conflicts (2 of 4 stars). 2 submissions from 2 submitters: Likely benign (2). Last evaluated 2019-11-04.

Conditions:
Hereditary cancer-predisposing syndrome. Also called: Hereditary Cancer Syndrome; Neoplastic Syndromes, Hereditary; Tumor predisposition; Hereditary neoplastic syndrome. Identifiers: Orphanet 140162, MedGen C0027672, MeSH D009386, MONDO:0015356.

Allele frequency attached by ClinVar (database versions not stated): gnomAD exomes below 0.00001; gnomAD 0.00001.
gnomAD v4.1: 3 of 1,614,096 alleles (0.00019%); highest among the groups gnomAD compares: African/African-American, 0.004%; no homozygotes.

Submissions (2):

Ambry Genetics
Classification: Likely benign for Hereditary cancer-predisposing syndrome. Last evaluated: 2019-11-04. Review status: criteria provided, single submitter. Criteria: Ambry Variant Classification Scheme 2023. Collection method: clinical testing. Allele origin: germline.

GeneDx
Classification: Likely benign. Last evaluated: 2017-10-19. Review status: criteria provided, single submitter. Criteria: GeneDx Variant Classification (06012015). Collection method: clinical testing. Allele origin: germline. Affected: yes.
Comment: This variant is considered likely benign or benign based on one or more of the following criteria: it is a conservative change, it occurs at a poorly conserved position in the protein, it is predicted to be benign by multiple in silico algorithms, and/or has population frequency not consistent with disease.